The following is an entry in ClinVar:

NM_176787.5(PIGN):c.882A>G (p.Gln294=)

Gene: PIGN (phosphatidylinositol glycan anchor biosynthesis class N; minus strand). Cytogenetic location: 18q21.33.
Variant type: single nucleotide variant.
Coding change: c.882A>G on transcript NM_176787.5 (MANE Select); coding-DNA position 882, A replaced by G.
Protein change: p.Gln294=; no amino-acid change (glutamine 294 retained).
Molecular consequence: synonymous variant.
Genome position (GRCh38, 1-based): chr18:62,145,949, T>C on the plus strand (A>G on the coding strand, the complement: PIGN is on the minus strand). VCF-style: chr18-62145949-T-C. GRCh37 (hg19) VCF-style: chr18-59813182-T-C.
Other names: c.882A>G, p.Gln294= (NM_012327.6).
Identifiers: ClinVar variation 754215 (VCV000754215.33), dbSNP rs1376888820, ClinGen allele CA504068038.

ClinVar aggregate classification (germline): Likely benign. Review status: criteria provided, multiple submitters, no conflicts (2 of 4 stars). 2 submissions from 2 submitters: Likely benign (2). Last evaluated 2025-10-01.

Conditions:
Multiple congenital anomalies-hypotonia-seizures syndrome 1 (MCAHS1). Also called: GLYCOSYLPHOSPHATIDYLINOSITOL BIOSYNTHESIS DEFECT 3; PIGN-CDG; Congenital disorder of glycosylation due to PIGN deficiency. Identifiers: Orphanet 280633, MedGen C3279775, MONDO:0013563, OMIM 614080.

Allele frequency attached by ClinVar (database versions not stated): gnomAD exomes below 0.00001 and 0.00001; TOPMed below 0.00001; gnomAD 0.00001.
gnomAD v4.1: 15 of 1,608,010 alleles (0.00093%); highest among the groups gnomAD compares: Non-Finnish European, 0.0012%; no homozygotes.

Submissions (2):

Labcorp Genetics (formerly Invitae), Labcorp
Classification: Likely benign for Multiple congenital anomalies-hypotonia-seizures syndrome 1. Last evaluated: 2025-10-01. Review status: criteria provided, single submitter. Criteria: Invitae Variant Classification Sherloc (09022015). Collection method: clinical testing. Allele origin: germline.

CeGaT Center for Human Genetics Tuebingen
Classification: Likely benign. Last evaluated: 2023-01-01. Review status: criteria provided, single submitter. Criteria: CeGaT Center For Human Genetics Tuebingen Variant Classification Criteria Version 2. Collection method: clinical testing. Allele origin: germline. Affected: yes. Observed: 1 variant allele.
Comment: PIGN: BP4, BP7